The following is an entry in ClinVar:

ClinVar aggregate classification (germline): Uncertain significance (1 of 4 stars; one submission).

Allele frequency attached by ClinVar (database versions not stated): TOPMed below 0.00001; gnomAD 0.00001; gnomAD exomes 0.00001; ExAC 0.00002; ESP Exome Variant Server 0.00015.
gnomAD v4.1: 8 of 1,611,128 alleles (0.0005%); highest among the groups gnomAD compares: African/African-American, 0.004%; no homozygotes.

Submission:

GeneDx
Classification: Uncertain significance. Last evaluated: 2022-04-12. Review status: criteria provided, single submitter. Criteria: GeneDx Variant Classification Process June 2021. Collection method: clinical testing. Allele origin: germline. Affected: yes.
Comment: In silico analysis supports that this missense variant has a deleterious effect on protein structure/function; Has not been previously published as pathogenic or benign to our knowledge

NM_001271938.2(MEGF8):c.2624G>A (p.Arg875His)

Gene: MEGF8 (multiple EGF like domains 8; plus strand). Cytogenetic location: 19q13.2.
Variant type: single nucleotide variant.
Coding change: c.2624G>A on transcript NM_001271938.2 (MANE Select); coding-DNA position 2624, G replaced by A.
Protein change: p.Arg875His; replaces arginine 875 with histidine.
Molecular consequence: missense variant.
Genome position (GRCh38, 1-based): chr19:42,350,272, G>A. VCF-style: chr19-42350272-G-A. GRCh37 (hg19) VCF-style: chr19-42854424-G-A.
Other names: c.2423G>A, p.Arg808His (NM_001410.3); short protein forms R808H, R875H.
Identifiers: ClinVar variation 1710772 (VCV001710772.2), dbSNP rs149768800, ClinGen allele CA9474762.
Genomic context (GRCh38, chr19:42,350,272, plus strand): 5'-TGGGCTGCTTGGCAGACCAGGGCTGTGGCTGGTGCCTGACCAGTGCCACCTGCCACCTGC[G>A]CCAGGGCGGAGCCCATTGCGGGGATGACGGGGCTGGTGGGTCCCTGCTGGTGCTGGTGCC-3'
Protein context (NP_001258867.1, residues 865-885): WCLTSATCHL[Arg875His]QGGAHCGDDG